The following is an entry in ClinVar:

ClinVar aggregate classification (germline): Pathogenic (1 of 4 stars; one submission).

Conditions:
Breast-ovarian cancer, familial, susceptibility to, 2 (BROVCA2). Also called: BRCA2 Hereditary Breast and Ovarian Cancer. Identifiers: Orphanet 145, MedGen C2675520, MONDO:0012933, OMIM 612555. Disease mechanism: loss of function.

Submission:

Myriad Genetics, Inc.
Classification: Pathogenic for Breast-ovarian cancer, familial, susceptibility to, 2. Last evaluated: 2023-10-09. Review status: criteria provided, single submitter. Criteria: Myriad Autosomal Dominant, Autosomal Recessive and X-Linked Classification Criteria (2023). Collection method: clinical testing. Allele origin: unknown.
Comment: This variant is considered pathogenic. This variant creates a frameshift predicted to result in premature protein truncation.

NM_000059.4(BRCA2):c.1959dup (p.Glu654fs)

Gene: BRCA2 (BRCA2 DNA repair associated; plus strand). Cytogenetic location: 13q13.1.
Variant type: Duplication.
Coding change: c.1959dup on transcript NM_000059.4 (MANE Select); coding-DNA position 1959, one base duplicated (A; older notation c.1959dupA).
Protein change: p.Glu654fs; shifts the reading frame from glutamic acid 654.
Molecular consequence: frameshift variant. On other transcripts: non-coding transcript variant (1), intron variant (2).
Genome position (GRCh38, 1-based): chr13:32,336,314, A duplicated; the last of 2 consecutive A bases (chr13:32,336,313-32,336,314); duplicating either gives the same sequence. VCF-style (leftmost placement, unchanged base first): chr13-32336312-G-GA. GRCh37 (hg19) VCF-style: chr13-32910449-G-GA.
Other names: c.1959dup, p.Glu654fs (NM_001406719.1, NM_001406720.1); c.1909+2927dup (NM_001406721.1); c.424+5284dup (NM_001406722.1); short protein forms E654fs.
Identifiers: ClinVar variation 2673916 (VCV002673916.1), dbSNP rs2548522873, ClinGen allele CA2695199247.
Genomic context (GRCh38, chr13:32,336,312, plus strand): 5'-TTTTTATGTTTAGGTTTATTGCATTCTTCTGTGAAAAGAAGCTGTTCACAGAATGATTCT[G>GA]AAGAACCAACTTTGTCCTTAACTAGCTCTTTTGGGACAATTCTGAGGAAATGTTCTAGAA-3'